The following is an entry in ClinVar:

NM_001035.3(RYR2):c.708G>A (p.Leu236=)

Gene: RYR2 (ryanodine receptor 2; plus strand). Cytogenetic location: 1q43.
Variant type: single nucleotide variant.
Coding change: c.708G>A on transcript NM_001035.3 (MANE Select); coding-DNA position 708, G replaced by A.
Protein change: p.Leu236=; no amino-acid change (leucine 236 retained).
Molecular consequence: synonymous variant.
Genome position (GRCh38, 1-based): chr1:237,388,118, G>A. VCF-style: chr1-237388118-G-A. GRCh37 (hg19) VCF-style: chr1-237551418-G-A.
Identifiers: ClinVar variation 1332430 (VCV001332430.12), dbSNP rs773746218, ClinGen allele CA075168.

ClinVar aggregate classification (germline): Likely benign. Review status: criteria provided, multiple submitters, no conflicts (2 of 4 stars). 3 submissions from 3 submitters: Likely benign (3). Last evaluated 2025-12-19.

Conditions:
Catecholaminergic polymorphic ventricular tachycardia (CVPT). Also called: Catecholamine-induced polymorphic ventricular tachycardia. Identifiers: Orphanet 3286, MedGen C5574922, MONDO:0017990.
Catecholaminergic polymorphic ventricular tachycardia 1. Also called: VENTRICULAR TACHYCARDIA, CATECHOLAMINERGIC POLYMORPHIC, 1, WITH OR WITHOUT ATRIAL DYSFUNCTION AND/OR DILATED CARDIOMYOPATHY; VENTRICULAR TACHYCARDIA, STRESS-INDUCED POLYMORPHIC 1; RYR2-Related Catecholaminergic Polymorphic Ventricular Tachycardia. Identifiers: Orphanet 3286, MedGen C1631597, MONDO:0011484, OMIM 604772.
Cardiomyopathy (CMYO). Also called: Cardiomyopathies. Identifiers: Orphanet 167848, MedGen C0878544, MONDO:0004994, HP:0001638. Inheritance: Various modes of inheritance.

Allele frequency attached by ClinVar (database versions not stated): gnomAD exomes below 0.00001; ExAC 0.00001; TOPMed 0.00002; gnomAD 0.00003.
gnomAD v4.1: 7 of 1,613,824 alleles (0.00043%); highest among the groups gnomAD compares: African/African-American, 0.008%; no homozygotes.

Submissions (3):

Labcorp Genetics (formerly Invitae), Labcorp
Classification: Likely benign for Catecholaminergic polymorphic ventricular tachycardia 1. Last evaluated: 2025-12-19. Review status: criteria provided, single submitter. Criteria: Invitae Variant Classification Sherloc (09022015). Collection method: clinical testing. Allele origin: germline.

All of Us Research Program, National Institutes of Health
Classification: Likely benign for Catecholaminergic polymorphic ventricular tachycardia. Last evaluated: 2023-07-07. Review status: criteria provided, single submitter. Criteria: ACMG Guidelines, 2015. Collection method: clinical testing. Allele origin: germline. Inheritance: Autosomal dominant inheritance. Observed: 1 variant allele, 1 heterozygote.
Comment: This study involves interpretation of variants in research participants for the purpose of population health screening. Participant phenotype was not available at the time of variant classification. Additional details can be found in publication PMID: 35346344, PMCID: PMC8962531

Color Diagnostics, LLC DBA Color Health
Classification: Likely benign for Cardiomyopathy. Last evaluated: 2021-07-13. Review status: criteria provided, single submitter. Criteria: ACMG Guidelines, 2015. Collection method: clinical testing. Allele origin: germline.